The following is an entry in ClinVar:

NM_001172501.3(SLC6A2):c.1368C>T (p.Leu456=)

Gene: SLC6A2 (solute carrier family 6 member 2; plus strand). Cytogenetic location: 16q12.2.
Variant type: single nucleotide variant.
Coding change: c.1368C>T on transcript NM_001172501.3 (MANE Select); coding-DNA position 1368, C replaced by T.
Protein change: p.Leu456=; no amino-acid change (leucine 456 retained).
Molecular consequence: synonymous variant.
Genome position (GRCh38, 1-based): chr16:55,698,004, C>T. VCF-style: chr16-55698004-C-T. GRCh37 (hg19) VCF-style: chr16-55731916-C-T.
Other names: c.1053C>T, p.Leu351= (NM_001172502.1); c.1368C>T, p.Leu456= (NM_001172504.1, NM_001043.3).
Identifiers: ClinVar variation 784340 (VCV000784340.6), dbSNP rs140641227, ClinGen allele CA8061733.
Genomic context (GRCh38, chr16:55,698,004, plus strand): 5'-GGTCCTGAAGCGACACCGGAAACTCTTCACATTTGGCGTCACCTTCAGCACTTTCCTTCT[C>T]GCCCTGTTCTGCATAACCAAGGTGAGTAGGGGCTGGGCTCTGGGTCACCTGGGGGCCTCT-3'
Protein context (NP_001165972.1, residues 446-466): TFGVTFSTFL[Leu456=]ALFCITKGGI

ClinVar aggregate classification (germline): Benign/Likely benign. Review status: criteria provided, multiple submitters, no conflicts (2 of 4 stars). 3 submissions from 3 submitters: Benign (1); Likely benign (1). 1 of the submissions does not count toward it. Last evaluated 2024-09-20.

Conditions:
SLC6A2-related disorder.

Allele frequency attached by ClinVar (database versions not stated): gnomAD exomes 0.00037; ExAC 0.00044; ESP Exome Variant Server 0.00100; gnomAD 0.00143; TOPMed 0.00169; 1000 Genomes Project 0.00180; 1000 Genomes Project 30x 0.00187.

Submissions (3):

Blueprint Genetics
Classification: Likely benign. Last evaluated: 2024-09-20. Review status: criteria provided, single submitter. Criteria: ACMG Guidelines, 2015. Collection method: clinical testing. Allele origin: germline.

Labcorp Genetics (formerly Invitae), Labcorp
Classification: Benign. Last evaluated: 2018-09-12. Review status: criteria provided, single submitter. Criteria: Invitae Variant Classification Sherloc (09022015). Collection method: clinical testing. Allele origin: germline.

PreventionGenetics, part of Exact Sciences
Classification: Likely benign for SLC6A2-related condition. Last evaluated: 2019-11-12. Review status: no assertion criteria provided. Collection method: clinical testing. Allele origin: germline. Not counted in ClinVar's aggregate classification.
Comment: This variant is classified as likely benign based on ACMG/AMP sequence variant interpretation guidelines (Richards et al. 2015 PMID: 25741868, with internal and published modifications).